The following is an entry in ClinVar:

NM_001253697.2(ERBIN):c.2231T>C (p.Ile744Thr)

Gene: ERBIN (erbb2 interacting protein; plus strand). Cytogenetic location: 5q12.3.
Variant type: single nucleotide variant.
Coding change: c.2231T>C on transcript NM_001253697.2 (MANE Select); coding-DNA position 2231, T replaced by C.
Protein change: p.Ile744Thr; replaces isoleucine 744 with threonine.
Molecular consequence: missense variant.
Genome position (GRCh38, 1-based): chr5:66,053,549, T>C. VCF-style: chr5-66053549-T-C. GRCh37 (hg19) VCF-style: chr5-65349377-T-C.
Other names: c.2231T>C, p.Ile744Thr (NM_001006600.3, NM_001253698.2, NM_001253699.2 and 1 more transcripts); c.2219T>C, p.Ile740Thr (NM_001253701.2); short protein forms I740T, I744T.
Identifiers: ClinVar variation 1354143 (VCV001354143.6), dbSNP rs367591212, ClinGen allele CA3286449.

ClinVar aggregate classification (germline): Uncertain significance (1 of 4 stars; one submission).

Allele frequency attached by ClinVar (database versions not stated): gnomAD exomes below 0.00001; ExAC 0.00002; gnomAD 0.00003; TOPMed 0.00004; ESP Exome Variant Server 0.00008.
gnomAD v4.1: 7 of 1,611,136 alleles (0.00043%); highest among the groups gnomAD compares: African/African-American, 0.008%; no homozygotes.

Submission:

Labcorp Genetics (formerly Invitae), Labcorp
Classification: Uncertain significance. Last evaluated: 2022-09-07. Review status: criteria provided, single submitter. Criteria: Invitae Variant Classification Sherloc (09022015). Collection method: clinical testing. Allele origin: germline.
Comment: This sequence change replaces isoleucine, which is neutral and non-polar, with threonine, which is neutral and polar, at codon 744 of the ERBIN protein (p.Ile744Thr). The frequency data for this variant in the population databases is considered unreliable, as metrics indicate poor data quality at this position in the gnomAD database. This variant has not been reported in the literature in individuals affected with ERBIN-related conditions. ClinVar contains an entry for this variant (Variation ID: 1354143). Algorithms developed to predict the effect of missense changes on protein structure and function (SIFT, PolyPhen-2, Align-GVGD) all suggest that this variant is likely to be tolerated. In summary, the available evidence is currently insufficient to determine the role of this variant in disease. Therefore, it has been classified as a Variant of Uncertain Significance.